The following is an entry in ClinVar:

ClinVar aggregate classification (germline): Uncertain significance (1 of 4 stars; one submission).

Allele frequency attached by ClinVar (database versions not stated): ExAC 0.00001; gnomAD 0.00001; gnomAD exomes 0.00001; TOPMed 0.00001.

Submission:

Labcorp Genetics (formerly Invitae), Labcorp
Classification: Uncertain significance. Last evaluated: 2025-11-04. Review status: criteria provided, single submitter. Criteria: Invitae Variant Classification Sherloc (09022015). Collection method: clinical testing. Allele origin: germline.
Comment: This sequence change replaces isoleucine, which is neutral and non-polar, with valine, which is neutral and non-polar, at codon 1687 of the NBAS protein (p.Ile1687Val). This variant is present in population databases (rs368073729, gnomAD 0.006%). This variant has not been reported in the literature in individuals affected with NBAS-related conditions. ClinVar contains an entry for this variant (Variation ID: 1443845). Invitae Evidence Modeling of protein sequence and biophysical properties (such as structural, functional, and spatial information, amino acid conservation, physicochemical variation, residue mobility, and thermodynamic stability) indicates that this missense variant is not expected to disrupt NBAS protein function with a negative predictive value of 95%. In summary, the available evidence is currently insufficient to determine the role of this variant in disease. Therefore, it has been classified as a Variant of Uncertain Significance.

NM_015909.4(NBAS):c.5059A>G (p.Ile1687Val)

Gene: NBAS (NBAS subunit of NRZ tethering complex; minus strand). Cytogenetic location: 2p24.3.
Variant type: single nucleotide variant.
Coding change: c.5059A>G on transcript NM_015909.4 (MANE Select); coding-DNA position 5059, A replaced by G.
Protein change: p.Ile1687Val; replaces isoleucine 1687 with valine.
Molecular consequence: missense variant. On other transcripts: non-coding transcript variant (1).
Genome position (GRCh38, 1-based): chr2:15,287,152, T>C on the plus strand (A>G on the coding strand, the complement: NBAS is on the minus strand). VCF-style: chr2-15287152-T-C. GRCh37 (hg19) VCF-style: chr2-15427276-T-C.
Other names: short protein forms I1687V.
Identifiers: ClinVar variation 1443845 (VCV001443845.8), dbSNP rs368073729, ClinGen allele CA1535402.